The following is an entry in ClinVar:

NM_000138.5(FBN1):c.2078G>C (p.Gly693Ala)

Gene: FBN1 (fibrillin 1; minus strand). Cytogenetic location: 15q21.1.
Variant type: single nucleotide variant.
Coding change: c.2078G>C on transcript NM_000138.5 (MANE Select); coding-DNA position 2078, G replaced by C.
Protein change: p.Gly693Ala; replaces glycine 693 with alanine.
Molecular consequence: missense variant.
Genome position (GRCh38, 1-based): chr15:48,503,822, C>G on the plus strand (G>C on the coding strand, the complement: FBN1 is on the minus strand). VCF-style: chr15-48503822-C-G. GRCh37 (hg19) VCF-style: chr15-48796019-C-G.
Other names: c.2078G>C, p.Gly693Ala (NM_001406716.1); short protein forms G693A.
Identifiers: ClinVar variation 3897155 (VCV003897155.1).

ClinVar aggregate classification (germline): Uncertain significance (1 of 4 stars; one submission).

Submission:

GeneDx
Classification: Uncertain significance. Last evaluated: 2024-11-05. Review status: criteria provided, single submitter. Criteria: GeneDx Variant Classification Process June 2021. Collection method: clinical testing. Allele origin: germline. Affected: yes.
Comment: Not observed at significant frequency in large population cohorts (gnomAD); In silico analysis supports that this missense variant has a deleterious effect on protein structure/function; Has not been previously published as pathogenic or benign to our knowledge; Does not affect a cysteine or calcium-binding residue within an EGF-like domain or a TGF-binding protein domain of the FBN1 gene; cysteine substitutions in the EGF-like domains represent the majority of pathogenic missense changes associated with FBN1-related disorders (PMID: 12938084)